The following is an entry in ClinVar:

NM_016011.5(MECR):c.551-3C>T

Gene: MECR (mitochondrial trans-2-enoyl-CoA reductase; minus strand). Cytogenetic location: 1p35.3.
Variant type: single nucleotide variant.
Coding change: c.551-3C>T on transcript NM_016011.5 (MANE Select); 3 bases into the intron before coding-DNA position 551, C replaced by T.
Molecular consequence: intron variant.
Genome position (GRCh38, 1-based): chr1:29,203,236, G>A on the plus strand (C>T on the coding strand, the complement: MECR is on the minus strand). VCF-style: chr1-29203236-G-A. GRCh37 (hg19) VCF-style: chr1-29529748-G-A.
Other names: c.401-3C>T (NM_001349717.2); c.323-3C>T (NM_001024732.4, NM_001349714.2, NM_001349712.2 and 2 more transcripts); c.635-3C>T (NM_001349716.2); c.656-3C>T (NM_001349715.2).
Identifiers: ClinVar variation 2188994 (VCV002188994.2), dbSNP rs749402522, ClinGen allele CA725762.

ClinVar aggregate classification (germline): Uncertain significance (1 of 4 stars; one submission).

Allele frequency attached by ClinVar (database versions not stated): gnomAD exomes 0.00001; TOPMed 0.00001; ExAC 0.00003.
gnomAD v4.1: 8 of 1,570,112 alleles (0.00051%); highest among the groups gnomAD compares: Middle Eastern, 0.017%; no homozygotes.

Submission:

Labcorp Genetics (formerly Invitae), Labcorp
Classification: Uncertain significance. Last evaluated: 2025-07-07. Review status: criteria provided, single submitter. Criteria: Invitae Variant Classification Sherloc (09022015). Collection method: clinical testing. Allele origin: germline.
Comment: This sequence change falls in intron 4 of the MECR gene. It does not directly change the encoded amino acid sequence of the MECR protein. It affects a nucleotide within the consensus splice site. This variant is present in population databases (rs749402522, gnomAD 0.004%). This variant has not been reported in the literature in individuals affected with MECR-related conditions. ClinVar contains an entry for this variant (Variation ID: 2188994). Variants that disrupt the consensus splice site are a relatively common cause of aberrant splicing (PMID: 17576681, 9536098). Algorithms developed to predict the effect of sequence changes on RNA splicing suggest that this variant is not likely to affect RNA splicing. In summary, the available evidence is currently insufficient to determine the role of this variant in disease. Therefore, it has been classified as a Variant of Uncertain Significance.

Literature cited by the submitters: PubMed 17576681; PubMed 9536098.